The following is an entry in ClinVar:

ClinVar aggregate classification (germline): Pathogenic (1 of 4 stars; one submission).

Conditions:
KBG syndrome (KBGS). Also called: ANKRD11-Related KBG Syndrome. Identifiers: Orphanet 2332, MedGen C0220687, MONDO:0007846, OMIM 148050.

Submission:

Institute of Human Genetics, University of Leipzig Medical Center
Classification: Pathogenic for KBG syndrome. Last evaluated: 2026-07-28. Review status: criteria provided, single submitter. Criteria: ACMG Guidelines, 2015. Collection method: clinical testing. Allele origin: unknown. Inheritance: Autosomal dominant inheritance. Affected: yes.
Comment: Criteria applied: PVS1,PM2

NM_013275.6(ANKRD11):c.4285_4288del (p.Asp1429fs)

Gene: ANKRD11 (ankyrin repeat domain 11; minus strand). Cytogenetic location: 16q24.3.
Variant type: Deletion.
Coding change: c.4285_4288del on transcript NM_013275.6 (MANE Select); coding-DNA positions 4285 to 4288, 4 bases deleted (GATA; older notation c.4285_4288delGATA).
Protein change: p.Asp1429fs; shifts the reading frame from aspartic acid 1429.
Molecular consequence: frameshift variant.
Genome position (GRCh38, 1-based): chr16:89,282,254-89,282,257, TATC deleted on the plus strand (GATA on the coding strand, the reverse complement: ANKRD11 is on the minus strand); deleting any 4 consecutive bases within chr16:89,282,254-89,282,258 gives the same sequence; the c. name uses the placement nearest the transcript's 3' end. VCF-style (leftmost placement, unchanged base first): chr16-89282253-TTATC-T. GRCh37 (hg19) VCF-style: chr16-89348661-TTATC-T.
Other names: c.4285_4288del, p.Asp1429fs (NM_001256182.2, NM_001256183.2); short protein forms D1429fs.
Identifiers: ClinVar variation 4890722 (VCV004890722.1).
Genomic context (GRCh38, chr16:89,282,253, plus strand): 5'-GATCCATAAGGCTTTAGTTCCTTTTCTATTTTCTTGGAAGGTTCTCTCTCGGAATCATTT[TTATC>T]TTTCTTTTCGGTAGAAAACAATTCAATGGTTTTATCTAGCTCATCTTCTATGTCAGCTTT-3'